The following is an entry in ClinVar:

ClinVar aggregate classification (germline): Conflicting classifications of pathogenicity. Review status: criteria provided, conflicting classifications (1 of 4 stars). 8 submissions from 8 submitters: Uncertain significance (1); Benign (2); Likely benign (5). Last evaluated 2026-01-12.

Conditions:
SCN2A-related disorder. Also called: SCN2A-related condition; SCN2A-related disorders. Identifiers: MedGen CN382226, MONDO:1060245.
Seizures, benign familial infantile, 3 (BFIS3). Also called: Familial neonatal seizures; CONVULSIONS, BENIGN FAMILIAL INFANTILE, 3. Identifiers: Orphanet 140927, Orphanet 306, MedGen C1843140, MONDO:0011904, OMIM 607745.
Developmental and epileptic encephalopathy, 11 (DEE11). Also called: Early infantile epileptic encephalopathy 11. Identifiers: Orphanet 1934, MedGen C3150987, MONDO:0013388, OMIM 613721.

Allele frequency attached by ClinVar (database versions not stated): ExAC 0.00008; gnomAD exomes 0.00013 and 0.00029; ESP Exome Variant Server 0.00023; gnomAD 0.00024 and 0.00025; TOPMed 0.00024.
gnomAD v4.1: 468 of 1,613,572 alleles (0.029%); highest among the groups gnomAD compares: Non-Finnish European, 0.036%; no homozygotes.

Submissions (8):

Labcorp Genetics (formerly Invitae), Labcorp
Classification: Likely benign for Seizures, benign familial infantile, 3; Developmental and epileptic encephalopathy, 11. Last evaluated: 2026-01-12. Review status: criteria provided, single submitter. Criteria: Invitae Variant Classification Sherloc (09022015). Collection method: clinical testing. Allele origin: germline.

CeGaT Center for Human Genetics Tuebingen
Classification: Likely benign. Last evaluated: 2025-10-01. Review status: criteria provided, single submitter. Criteria: CeGaT Center For Human Genetics Tuebingen Variant Classification Criteria Version 2. Collection method: clinical testing. Allele origin: germline. Affected: yes. Observed: 6 variant alleles.
Comment: SCN2A: BP4, BS2

Athena Diagnostics
Classification: Benign. Last evaluated: 2024-12-09. Review status: criteria provided, single submitter. Criteria: Athena Diagnostics Criteria. Collection method: clinical testing. Allele origin: unknown.
Comment: The frequency of this variant in the general population is higher than would generally be expected for pathogenic variants in this gene. Computational tools yielded predictions that this variant is unlikely to have an effect on normal RNA splicing.

PreventionGenetics, part of Exact Sciences
Classification: Likely benign for SCN2A-related condition. Last evaluated: 2024-11-21. Review status: criteria provided, single submitter. Criteria: ACMG Guidelines, 2015. Collection method: clinical testing. Allele origin: germline.
Comment: This variant is classified as likely benign based on ACMG/AMP sequence variant interpretation guidelines (Richards et al. 2015 PMID: 25741868, with internal and published modifications).

Blueprint Genetics
Classification: Likely benign. Last evaluated: 2024-09-24. Review status: criteria provided, single submitter. Criteria: ACMG Guidelines, 2015. Collection method: clinical testing. Allele origin: germline.

Illumina Laboratory Services, Illumina
Classification: Likely benign for Seizures, benign familial infantile, 3. Last evaluated: 2018-01-13. Review status: criteria provided, single submitter. Criteria: ICSL Variant Classification Criteria 13 December 2019. Collection method: clinical testing. Allele origin: germline.
Comment: This variant was observed in the ICSL laboratory as part of a predisposition screen in an ostensibly healthy population. It had not been previously curated by ICSL or reported in the Human Gene Mutation Database (HGMD: prior to June 1st, 2018), and was therefore a candidate for classification through an automated scoring system. Utilizing variant allele frequency, disease prevalence and penetrance estimates, and inheritance mode, an automated score was calculated to assess if this variant is too frequent to cause the disease. Based on the score and internal cut-off values, a variant classified as likely benign is not then subjected to further curation. The score for this variant resulted in a classification of likely benign for this disease.

Genetic Services Laboratory, University of Chicago
Classification: Uncertain significance. Last evaluated: 2015-10-29. Review status: criteria provided, single submitter. Criteria: ACMG Guidelines, 2015. Collection method: clinical testing. Allele origin: germline. Affected: no.

GeneDx
Classification: Benign. Last evaluated: 2015-03-03. Review status: criteria provided, single submitter. Criteria: GeneDx Variant Classification Process June 2021. Collection method: clinical testing. Allele origin: germline. Affected: yes.

Literature cited by the submitters: PubMed 26555645 (cited by Athena Diagnostics).

NM_001040142.2(SCN2A):c.2923C>T (p.Leu975=)

Gene: SCN2A (sodium voltage-gated channel alpha subunit 2; plus strand). Cytogenetic location: 2q24.3.
Variant type: single nucleotide variant.
Coding change: c.2923C>T on transcript NM_001040142.2 (MANE Select); coding-DNA position 2923, C replaced by T.
Protein change: p.Leu975=; no amino-acid change (leucine 975 retained).
Molecular consequence: synonymous variant.
Genome position (GRCh38, 1-based): chr2:165,354,195, C>T. VCF-style: chr2-165354195-C-T. GRCh37 (hg19) VCF-style: chr2-166210705-C-T.
Other names: c.2923C>T, p.Leu975= (NM_001040143.2, NM_001371246.1, NM_001371247.1 and 1 more transcripts).
Identifiers: ClinVar variation 436655 (VCV000436655.54), dbSNP rs375858093, ClinGen allele CA1940044.